The following is an entry in ClinVar:

NC_000023.11:g.(?_31968329)_(31968524_?)del

Gene: DMD (dystrophin; minus strand). Cytogenetic location: Xp21.1.
Variant type: Deletion.
Identifiers: ClinVar variation 657374 (VCV000657374.1).

ClinVar aggregate classification (germline): Pathogenic (1 of 4 stars; one submission).

Conditions:
Duchenne muscular dystrophy (DMD). Also called: MUSCULAR DYSTROPHY, PSEUDOHYPERTROPHIC PROGRESSIVE, DUCHENNE TYPE; Duchenne Muscular Dystrophy (DMD). Identifiers: Orphanet 98896, MedGen C0013264, MONDO:0010679, OMIM 310200.

Submission:

Labcorp Genetics (formerly Invitae), Labcorp
Classification: Pathogenic for Duchenne muscular dystrophy. Last evaluated: 2018-10-10. Review status: criteria provided, single submitter. Criteria: Invitae Variant Classification Sherloc (09022015). Collection method: clinical testing. Allele origin: germline.
Comment: This variant is a gross deletion of the genomic region encompassing exon 45 of the DMD gene. This sequence change is predicted to create a premature translational stop signal and result in an absent or disrupted protein product. However, experimental studies have shown that it may also lead to a change in mRNA splicing that causes skipping of exon 44, which results in an in-frame deletion and preserves the reading frame (PMID: 9040743, 24871807). This variant has been reported in multiple individuals with both Duchenne muscular dystrophy and Becker muscular dystrophy (PMID: 11257468, 18683213, 25244321, 26081009). For these reasons, this variant has been classified as Pathogenic.

Literature cited by the submitters: PubMed 26081009; PubMed 25244321; PubMed 9040743; PubMed 11257468; PubMed 18683213; PubMed 24871807.